The following is an entry in ClinVar:

ClinVar aggregate classification (germline): Likely benign. Review status: criteria provided, multiple submitters, no conflicts (2 of 4 stars). 6 submissions from 6 submitters: Likely benign (3). 3 of the submissions do not count toward it. Last evaluated 2025-12-03.

Conditions:
Cardiovascular phenotype. Identifiers: MedGen CN230736.
DES-related disorder. Also called: DES-related condition.
Desmin-related myofibrillar myopathy (MFM1). Also called: Desminopathy; MYOFIBRILLAR MYOPATHY WITH ARRHYTHMOGENIC RIGHT VENTRICULAR CARDIOMYOPATHY; DESMIN-RELATED MYOPATHY WITH ARRHYTHMOGENIC RIGHT VENTRICULAR CARDIOMYOPATHY; Myofibrillar myopathy 1; Desmin related myopathy (former name); Desmin storage myopathy (former name). Identifiers: Orphanet 363543, Orphanet 98909, MedGen C1832370, MONDO:0011076, OMIM 601419.

Allele frequency attached by ClinVar (database versions not stated): TOPMed below 0.00001; gnomAD 0.00001; ExAC 0.00002.
gnomAD v4.1: 9 of 1,603,522 alleles (0.00056%); highest among the groups gnomAD compares: Admixed American, 0.0034%; no homozygotes.

Submissions (6):

Labcorp Genetics (formerly Invitae), Labcorp
Classification: Likely benign for Desmin-related myofibrillar myopathy. Last evaluated: 2025-12-03. Review status: criteria provided, single submitter. Criteria: Invitae Variant Classification Sherloc (09022015). Collection method: clinical testing. Allele origin: germline.

Blueprint Genetics
Classification: Likely benign. Last evaluated: 2022-03-17. Review status: criteria provided, single submitter. Criteria: ACMG Guidelines, 2015. Collection method: clinical testing. Allele origin: germline.

Ambry Genetics
Classification: Likely benign for Cardiovascular phenotype. Last evaluated: 2021-09-21. Review status: criteria provided, single submitter. Criteria: Ambry Variant Classification Scheme 2023. Collection method: clinical testing. Allele origin: germline.

PreventionGenetics, part of Exact Sciences
Classification: Likely benign for DES-related condition. Last evaluated: 2021-01-27. Review status: no assertion criteria provided. Collection method: clinical testing. Allele origin: germline. Not counted in ClinVar's aggregate classification.
Comment: This variant is classified as likely benign based on ACMG/AMP sequence variant interpretation guidelines (Richards et al. 2015 PMID: 25741868, with internal and published modifications).

Clinical Genetics DNA and cytogenetics Diagnostics Lab, Erasmus MC, Erasmus Medical Center
Classification: Likely benign. Review status: no assertion criteria provided. Collection method: clinical testing. Allele origin: germline. Affected: yes. Study: VKGL Data-share Consensus. Not counted in ClinVar's aggregate classification.

Genome Diagnostics Laboratory, University Medical Center Utrecht
Classification: Likely benign. Review status: no assertion criteria provided. Collection method: clinical testing. Allele origin: germline. Affected: yes. Study: VKGL Data-share Consensus. Not counted in ClinVar's aggregate classification.

NM_001927.4(DES):c.66G>A (p.Pro22=)

Gene: DES (desmin; plus strand). Cytogenetic location: 2q35.
Variant type: single nucleotide variant.
Coding change: c.66G>A on transcript NM_001927.4 (MANE Select); coding-DNA position 66, G replaced by A.
Protein change: p.Pro22=; no amino-acid change (proline 22 retained).
Molecular consequence: synonymous variant.
Genome position (GRCh38, 1-based): chr2:219,418,528, G>A. VCF-style: chr2-219418528-G-A. GRCh37 (hg19) VCF-style: chr2-220283250-G-A.
Identifiers: ClinVar variation 859085 (VCV000859085.15), dbSNP rs767502653, ClinGen allele CA2125013.